The following is an entry in ClinVar:

NM_024596.5(MCPH1):c.1589A>C (p.Glu530Ala)

Gene: MCPH1 (microcephalin 1; plus strand). Cytogenetic location: 8p23.1.
Variant type: single nucleotide variant.
Coding change: c.1589A>C on transcript NM_024596.5 (MANE Select); coding-DNA position 1589, A replaced by C.
Protein change: p.Glu530Ala; replaces glutamic acid 530 with alanine.
Molecular consequence: missense variant. On other transcripts: non-coding transcript variant (1).
Genome position (GRCh38, 1-based): chr8:6,445,311, A>C. VCF-style: chr8-6445311-A-C. GRCh37 (hg19) VCF-style: chr8-6302832-A-C.
Other names: c.1487A>C, p.Glu496Ala (NM_001322045.2); c.1589A>C, p.Glu530Ala (NM_001363979.1, NM_001363980.2, NM_001410916.1 and 3 more transcripts); c.1445A>C, p.Glu482Ala (NM_001172575.2); c.1583A>C, p.Glu528Ala (NM_001322043.2); short protein forms E482A, E496A, E528A, E530A.
Identifiers: ClinVar variation 3619303 (VCV003619303.2).
Genomic context (GRCh38, chr8:6,445,311, plus strand): 5'-GTAGACAGGCTGGGAAAGAAGACGCATGCCCAGAGGGAAATGGCTTTTCTTACACCATTG[A>C]GGACCCTGCTCTTCCAAAAGGACATGATGATGATTTAACTCCTTTGGAAGGAAGCCTTGA-3'
Protein context (NP_078872.3, residues 520-540): PEGNGFSYTI[Glu530Ala]DPALPKGHDD

ClinVar aggregate classification (germline): Uncertain significance (1 of 4 stars; one submission).

gnomAD v4.1: 31 of 1,614,146 alleles (0.0019%); highest among the groups gnomAD compares: Non-Finnish European, 0.0025%; no homozygotes.

Submission:

Labcorp Genetics (formerly Invitae), Labcorp
Classification: Uncertain significance. Last evaluated: 2024-06-06. Review status: criteria provided, single submitter. Criteria: Invitae Variant Classification Sherloc (09022015). Collection method: clinical testing. Allele origin: germline.
Comment: This sequence change replaces glutamic acid, which is acidic and polar, with alanine, which is neutral and non-polar, at codon 530 of the MCPH1 protein (p.Glu530Ala). This variant is present in population databases (rs200823026, gnomAD 0.004%). This variant has not been reported in the literature in individuals affected with MCPH1-related conditions. Advanced modeling of protein sequence and biophysical properties (such as structural, functional, and spatial information, amino acid conservation, physicochemical variation, residue mobility, and thermodynamic stability) performed at Invitae indicates that this missense variant is not expected to disrupt MCPH1 protein function with a negative predictive value of 80%. In summary, the available evidence is currently insufficient to determine the role of this variant in disease. Therefore, it has been classified as a Variant of Uncertain Significance.